The following is an entry in ClinVar:

ClinVar aggregate classification (germline): Conflicting classifications of pathogenicity. Review status: criteria provided, conflicting classifications (1 of 4 stars). 8 submissions from 7 submitters: Uncertain significance (4); Likely benign (4). Last evaluated 2026-06-12.

Conditions:
Polyps, multiple and recurrent inflammatory fibroid, gastrointestinal. Identifiers: MedGen C5193005, MONDO:0008285, OMIM 175510.
PDGFRA-related disorder. Also called: PDGFRA-related condition.
Idiopathic hypereosinophilic syndrome (HES). Identifiers: Orphanet 3260, MedGen C0206141, MONDO:0011895, OMIM 607685. Disease mechanism: gain of function.
Gastrointestinal stromal tumor. Also called: Gastrointestinal stromal tumor, somatic; Gastrointestinal stroma tumor. Identifiers: Orphanet 44890, MedGen C0238198, MeSH D046152, MONDO:0011719, OMIM 606764, HP:0100723.
Hereditary cancer-predisposing syndrome. Also called: Hereditary neoplastic syndrome; Neoplastic Syndromes, Hereditary; Hereditary Cancer Syndrome; Tumor predisposition. Identifiers: Orphanet 140162, MedGen C0027672, MeSH D009386, MONDO:0015356.

Allele frequency attached by ClinVar (database versions not stated): TOPMed 0.00005; gnomAD 0.00006; ExAC 0.00007; ESP Exome Variant Server 0.00008; gnomAD exomes 0.00008.

Submissions (8):

Myriad Genetics, Inc.
Classification: Likely benign for Polyps, multiple and recurrent inflammatory fibroid, gastrointestinal. Last evaluated: 2026-06-12. Review status: criteria provided, single submitter. Criteria: Myriad Autosomal Dominant, Autosomal Recessive and X-Linked Classification Criteria (2023). Collection method: clinical testing. Allele origin: unknown.
Comment: This variant is considered likely benign. This variant has been observed at a population frequency that is significantly greater than expected given the associated disease prevalence and penetrance.

Labcorp Genetics (formerly Invitae), Labcorp
Classification: Likely benign for Gastrointestinal stromal tumor. Last evaluated: 2026-01-28. Review status: criteria provided, single submitter. Criteria: Invitae Variant Classification Sherloc (09022015). Collection method: clinical testing. Allele origin: germline.

GeneDx
Classification: Uncertain significance. Last evaluated: 2025-08-31. Review status: criteria provided, single submitter. Criteria: GeneDx Variant Classification Process June 2021. Collection method: clinical testing. Allele origin: germline.
Comment: In silico analysis suggests that this missense variant does not alter protein structure/function; Has not been previously published as pathogenic or benign to our knowledge

PreventionGenetics, part of Exact Sciences
Classification: Likely benign for PDGFRA-related condition. Last evaluated: 2025-07-02. Review status: criteria provided, single submitter. Criteria: ACMG Guidelines, 2015. Collection method: clinical testing. Allele origin: germline.
Comment: This variant is classified as likely benign based on ACMG/AMP sequence variant interpretation guidelines (Richards et al. 2015 PMID: 25741868, with internal and published modifications).

St. Jude Molecular Pathology, St. Jude Children's Research Hospital
Classification: Uncertain significance for Polyps, multiple and recurrent inflammatory fibroid, gastrointestinal. Last evaluated: 2022-03-31. Review status: criteria provided, single submitter. Criteria: St. Jude Assertion Criteria 2020. Collection method: clinical testing. Allele origin: germline.
Comment: The PDGFRA c.827C>T (p.Thr276Met) missense change has a maximum frequency of 0.031% in gnomAD v2.1.1. In silico tools predict a benign effect of this variant on protein function (BP4), but to our knowledge these predictions have not been confirmed by functional assays. To our knowledge, this variant has not been reported in individuals with PDGFRA-related conditions. In summary, this variant meets criteria to be classified as of uncertain significance based on the ACMG/AMP criteria: BP4.

Ambry Genetics
Classification: Likely benign for Hereditary cancer-predisposing syndrome. Last evaluated: 2019-07-17. Review status: criteria provided, single submitter. Criteria: Ambry Variant Classification Scheme 2023. Collection method: clinical testing. Allele origin: germline.

Illumina Laboratory Services, Illumina
Classification: Uncertain significance for Idiopathic hypereosinophilic syndrome. Last evaluated: 2018-01-12. Review status: criteria provided, single submitter. Criteria: ICSL Variant Classification Criteria 13 December 2019. Collection method: clinical testing. Allele origin: germline.

Illumina Laboratory Services, Illumina
Classification: Uncertain significance for Gastrointestinal stromal tumor. Last evaluated: 2018-01-12. Review status: criteria provided, single submitter. Criteria: ICSL Variant Classification Criteria 13 December 2019. Collection method: clinical testing. Allele origin: germline.

NM_006206.6(PDGFRA):c.827C>T (p.Thr276Met)

Gene: PDGFRA (platelet derived growth factor receptor alpha; plus strand). Cytogenetic location: 4q12.
Variant type: single nucleotide variant.
Coding change: c.827C>T on transcript NM_006206.6 (MANE Select); coding-DNA position 827, C replaced by T.
Protein change: p.Thr276Met; replaces threonine 276 with methionine.
Molecular consequence: missense variant.
Genome position (GRCh38, 1-based): chr4:54,267,356, C>T. VCF-style: chr4-54267356-C-T. GRCh37 (hg19) VCF-style: chr4-55133523-C-T.
Other names: c.827C>T, p.Thr276Met (NM_001347827.2, NM_001347829.2); c.902C>T, p.Thr301Met (NM_001347828.2); c.866C>T, p.Thr289Met (NM_001347830.2); short protein forms T276M, T301M, T289M.
Identifiers: ClinVar variation 348896 (VCV000348896.29), dbSNP rs142492533, ClinGen allele CA2922400.